The following is an entry in ClinVar:

ClinVar aggregate classification (germline): Uncertain significance (1 of 4 stars; one submission).

Conditions:
Charcot-Marie-Tooth disease type 2. Also called: Charcot-Marie-Tooth type 2. Identifiers: Orphanet 64746, MedGen C0270914, MONDO:0018993.

Allele frequency attached by ClinVar (database versions not stated): gnomAD exomes below 0.00001.
gnomAD v4.1: 1 of 1,609,602 alleles (0.000062%); highest among the groups gnomAD compares: East Asian, 0.0022%; no homozygotes.

Submission:

Labcorp Genetics (formerly Invitae), Labcorp
Classification: Uncertain significance for Charcot-Marie-Tooth disease type 2. Last evaluated: 2022-03-23. Review status: criteria provided, single submitter. Criteria: Invitae Variant Classification Sherloc (09022015). Collection method: clinical testing. Allele origin: germline.
Comment: In summary, the available evidence is currently insufficient to determine the role of this variant in disease. Therefore, it has been classified as a Variant of Uncertain Significance. This sequence change falls in intron 17 of the MED25 gene. It does not directly change the encoded amino acid sequence of the MED25 protein. It affects a nucleotide within the consensus splice site. This variant is not present in population databases (gnomAD no frequency). This variant has not been reported in the literature in individuals affected with MED25-related conditions. ClinVar contains an entry for this variant (Variation ID: 543197). Variants that disrupt the consensus splice site are a relatively common cause of aberrant splicing (PMID: 17576681, 9536098). Algorithms developed to predict the effect of sequence changes on RNA splicing suggest that this variant is not likely to affect RNA splicing.

Literature cited by the submitters: PubMed 17576681; PubMed 9536098.

NM_030973.4(MED25):c.2147-3C>T

Gene: MED25 (mediator complex subunit 25; plus strand). Cytogenetic location: 19q13.33.
Variant type: single nucleotide variant.
Coding change: c.2147-3C>T on transcript NM_030973.4 (MANE Select); 3 bases into the intron before coding-DNA position 2147, C replaced by T.
Molecular consequence: intron variant.
Genome position (GRCh38, 1-based): chr19:49,836,844, C>T. VCF-style: chr19-49836844-C-T. GRCh37 (hg19) VCF-style: chr19-50340101-C-T.
Other names: c.2146+438C>T (NM_001378355.1).
Identifiers: ClinVar variation 543197 (VCV000543197.8), dbSNP rs1555803003, ClinGen allele CA406922416.